The following is an entry in ClinVar:

ClinVar aggregate classification (germline): Pathogenic. Review status: criteria provided, multiple submitters, no conflicts (2 of 4 stars). 4 submissions from 4 submitters: Pathogenic (4). Last evaluated 2025-07-21.

Conditions:
Hereditary cancer-predisposing syndrome. Also called: Hereditary Cancer Syndrome; Tumor predisposition; Neoplastic Syndromes, Hereditary; Hereditary neoplastic syndrome. Identifiers: Orphanet 140162, MedGen C0027672, MeSH D009386, MONDO:0015356.
Ataxia-telangiectasia syndrome (AT). Also called: Ataxia-telangiectasia, complementation group D; AT, COMPLEMENTATION GROUP C; ATAXIA-TELANGIECTASIA, COMPLEMENTATION GROUP A; ATAXIA-TELANGIECTASIA, FRESNO VARIANT; Ataxia-telangiectasia; LOUIS-BAR SYNDROME. Identifiers: Orphanet 100, MedGen C0004135, MONDO:0008840, OMIM 208900.
Familial prostate cancer. Also called: Hereditary Prostate Cancer. Identifiers: MedGen C2931456, MONDO:0700275, OMIM 176807.

Submissions (4):

Women's Health and Genetics/Laboratory Corporation of America, LabCorp
Classification: Pathogenic for Familial prostate cancer. Last evaluated: 2025-07-21. Review status: criteria provided, single submitter. Criteria: LabCorp Variant Classification Summary - May 2015. Collection method: clinical testing. Allele origin: germline.
Comment: Variant summary: ATM c.2572_2575delTTTA (p.Phe858ThrfsX21) results in a premature termination codon, predicted to cause a truncation of the encoded protein or absence of the protein due to nonsense mediated decay, which are commonly known mechanisms for disease. The variant was absent in 251440 control chromosomes. To our knowledge, no occurrence of c.2572_2575delTTTA in individuals affected with Prostate Cancer and no experimental evidence demonstrating its impact on protein function have been reported. ClinVar contains an entry for this variant (Variation ID: 429061). Based on the evidence outlined above, the variant was classified as pathogenic.

Labcorp Genetics (formerly Invitae), Labcorp
Classification: Pathogenic for Ataxia-telangiectasia syndrome. Last evaluated: 2025-01-14. Review status: criteria provided, single submitter. Criteria: Invitae Variant Classification Sherloc (09022015). Collection method: clinical testing. Allele origin: germline.
Comment: This sequence change creates a premature translational stop signal (p.Phe858Thrfs*21) in the ATM gene. It is expected to result in an absent or disrupted protein product. Loss-of-function variants in ATM are known to be pathogenic (PMID: 23807571, 25614872). This variant is not present in population databases (gnomAD no frequency). This variant has not been reported in the literature in individuals affected with ATM-related conditions. ClinVar contains an entry for this variant (Variation ID: 429061). For these reasons, this variant has been classified as Pathogenic.

Molecular Pathology, Peter Maccallum Cancer Centre
Classification: Pathogenic for Ataxia-telangiectasia syndrome. Last evaluated: 2024-10-31. Review status: criteria provided, single submitter. Criteria: ACMG Guidelines, 2015. Collection method: clinical testing. Allele origin: germline. Inheritance: Autosomal recessive inheritance.

Ambry Genetics
Classification: Pathogenic for Hereditary cancer-predisposing syndrome. Last evaluated: 2023-08-11. Review status: criteria provided, single submitter. Criteria: Ambry Variant Classification Scheme 2023. Collection method: clinical testing. Allele origin: germline.
Comment: The c.2572_2575delTTTA pathogenic mutation, located in coding exon 16 of the ATM gene, results from a deletion of 4 nucleotides at nucleotide positions 2572 to 2575, causing a translational frameshift with a predicted alternate stop codon (p.F858Tfs*21). This alteration is expected to result in loss of function by premature protein truncation or nonsense-mediated mRNA decay. As such, this alteration is interpreted as a disease-causing mutation.

Literature cited by the submitters: PubMed 23807571 (cited by Labcorp Genetics (formerly Invitae), Labcorp); PubMed 25614872 (cited by Labcorp Genetics (formerly Invitae), Labcorp).

NM_000051.4(ATM):c.2572_2575del (p.Phe858fs)

Gene: ATM (ATM serine/threonine kinase; plus strand). Cytogenetic location: 11q22.3.
Variant type: Deletion.
Coding change: c.2572_2575del on transcript NM_000051.4 (MANE Select); coding-DNA positions 2572 to 2575, 4 bases deleted (TTTA; older notation c.2572_2575delTTTA).
Protein change: p.Phe858fs; shifts the reading frame from phenylalanine 858.
Molecular consequence: frameshift variant.
Genome position (GRCh38, 1-based): chr11:108,267,276-108,267,279, TTTA deleted; deleting any 4 consecutive bases within chr11:108,267,274-108,267,279 gives the same sequence; the c. name uses the placement nearest the transcript's 3' end. VCF-style (leftmost placement, unchanged base first): chr11-108267273-CTATT-C. GRCh37 (hg19) VCF-style: chr11-108138000-CTATT-C.
Other names: c.2572_2575delTTTA (NM_000051.4, NM_000051.3); c.2572_2575del, p.Phe858fs (NM_001351834.2); short protein forms F858fs.
Identifiers: ClinVar variation 429061 (VCV000429061.13), dbSNP rs1131691148, ClinGen allele CA645369498.